The following is an entry in ClinVar:

ClinVar aggregate classification (germline): Likely benign. Review status: criteria provided, multiple submitters, no conflicts (2 of 4 stars). 5 submissions from 5 submitters: Likely benign (2). 3 of the submissions do not count toward it. Last evaluated 2025-06-03.

Allele frequency attached by ClinVar (database versions not stated): gnomAD 0.00045 and 0.00046; ESP Exome Variant Server 0.00070; TOPMed 0.00037; ExAC 0.00047.

Submissions (5):

Mayo Clinic Laboratories, Mayo Clinic
Classification: Likely benign. Last evaluated: 2025-06-03. Review status: criteria provided, single submitter. Criteria: ACMG Guidelines, 2015. Collection method: clinical testing. Allele origin: germline. Observed: 2 variant alleles.
Comment: BP4, BP7

Breakthrough Genomics
Classification: Likely benign. Review status: criteria provided, single submitter. Criteria: ACMG Guidelines, 2015. Collection method: not provided. Allele origin: germline. Inheritance: Autosomal recessive inheritance. Affected: yes.

Clinical Genetics DNA and cytogenetics Diagnostics Lab, Erasmus MC, Erasmus Medical Center
Classification: Likely benign. Review status: no assertion criteria provided. Collection method: clinical testing. Allele origin: germline. Affected: yes. Study: VKGL Data-share Consensus. Not counted in ClinVar's aggregate classification.

Clinical Genetics, Academic Medical Center
Classification: Likely benign. Review status: no assertion criteria provided. Collection method: clinical testing. Allele origin: germline. Affected: yes. Study: VKGL Data-share Consensus. Not counted in ClinVar's aggregate classification.

Diagnostic Laboratory, Department of Genetics, University Medical Center Groningen
Classification: Likely benign. Review status: no assertion criteria provided. Collection method: clinical testing. Allele origin: germline. Affected: yes. Study: VKGL Data-share Consensus. Not counted in ClinVar's aggregate classification.

NM_004715.5(CTDP1):c.1031-3T>C

Gene: CTDP1 (CTD phosphatase subunit 1; plus strand). Cytogenetic location: 18q23.
Variant type: single nucleotide variant.
Coding change: c.1031-3T>C on transcript NM_004715.5 (MANE Select); 3 bases into the intron before coding-DNA position 1031, T replaced by C.
Molecular consequence: intron variant.
Genome position (GRCh38, 1-based): chr18:79,714,488, T>C. VCF-style: chr18-79714488-T-C. GRCh37 (hg19) VCF-style: chr18-77474488-T-C.
Other names: p.?; c.1031-3T>C (NM_001318511.2, NM_048368.4, NM_004715.4); c.674-3T>C (NM_001202504.1).
Identifiers: ClinVar variation 1175156 (VCV001175156.8), dbSNP rs200766719, ClinGen allele CA9010187.